The following is an entry in ClinVar:

NM_000937.5(POLR2A):c.5404C>T (p.Pro1802Ser)

Gene: POLR2A (RNA polymerase II subunit A; plus strand). Cytogenetic location: 17p13.1.
Variant type: single nucleotide variant.
Coding change: c.5404C>T on transcript NM_000937.5 (MANE Select); coding-DNA position 5404, C replaced by T.
Protein change: p.Pro1802Ser; replaces proline 1802 with serine.
Molecular consequence: missense variant.
Genome position (GRCh38, 1-based): chr17:7,513,668, C>T. VCF-style: chr17-7513668-C-T. GRCh37 (hg19) VCF-style: chr17-7416987-C-T.
Other names: short protein forms P1802S.
Identifiers: ClinVar variation 2504821 (VCV002504821.1), dbSNP rs902910980, ClinGen allele CA287431811.
Genomic context (GRCh38, chr17:7,513,668, plus strand): 5'-AACTACAGCCCAACCTCTCCAAGCTACTCTCCAACATCACCCAGCTATTCCCCGACCTCA[C>T]CAAGTTACTCCCCTTCCAGCCCACGATACACACCACAGTCTCCAACCTATACCCCAAGCT-3'
Protein context (NP_000928.1, residues 1792-1812): PTSPSYSPTS[Pro1802Ser]SYSPSSPRYT

ClinVar aggregate classification (germline): Uncertain significance (1 of 4 stars; one submission).

Allele frequency attached by ClinVar (database versions not stated): gnomAD exomes below 0.00001; gnomAD 0.00001; TOPMed 0.00001.

Submission:

GeneDx
Classification: Uncertain significance. Last evaluated: 2022-12-02. Review status: criteria provided, single submitter. Criteria: GeneDx Variant Classification Process June 2021. Collection method: clinical testing. Allele origin: germline. Affected: yes.
Comment: Not observed at significant frequency in large population cohorts (gnomAD); In silico analysis supports that this missense variant has a deleterious effect on protein structure/function; Has not been previously published as pathogenic or benign to our knowledge